The following is an entry in ClinVar:

ClinVar aggregate classification (germline): Uncertain significance. Review status: criteria provided, multiple submitters, no conflicts (2 of 4 stars). 2 submissions from 2 submitters: Uncertain significance (2). Last evaluated 2024-11-13.

Conditions:
Inborn genetic diseases. Identifiers: MedGen C0950123, MeSH D030342.

Submissions (2):

Ambry Genetics
Classification: Uncertain significance for Inborn genetic diseases. Last evaluated: 2024-11-13. Review status: criteria provided, single submitter. Criteria: Ambry Variant Classification Scheme 2023. Collection method: clinical testing. Allele origin: germline.

Labcorp Genetics (formerly Invitae), Labcorp
Classification: Uncertain significance. Last evaluated: 2024-08-21. Review status: criteria provided, single submitter. Criteria: Invitae Variant Classification Sherloc (09022015). Collection method: clinical testing. Allele origin: germline.
Comment: This sequence change replaces lysine, which is basic and polar, with glutamic acid, which is acidic and polar, at codon 776 of the CHD8 protein (p.Lys776Glu). This variant is not present in population databases (gnomAD no frequency). This variant has not been reported in the literature in individuals affected with CHD8-related conditions. An algorithm developed to predict the effect of missense changes on protein structure and function (PolyPhen-2) suggests that this variant is likely to be disruptive. In summary, the available evidence is currently insufficient to determine the role of this variant in disease. Therefore, it has been classified as a Variant of Uncertain Significance.

NM_001170629.2(CHD8):c.2326A>G (p.Lys776Glu)

Gene: CHD8 (chromodomain helicase DNA binding protein 8; minus strand). Cytogenetic location: 14q11.2.
Variant type: single nucleotide variant.
Coding change: c.2326A>G on transcript NM_001170629.2 (MANE Select); coding-DNA position 2326, A replaced by G.
Protein change: p.Lys776Glu; replaces lysine 776 with glutamic acid.
Molecular consequence: missense variant.
Genome position (GRCh38, 1-based): chr14:21,409,889, T>C on the plus strand (A>G on the coding strand, the complement: CHD8 is on the minus strand). VCF-style: chr14-21409889-T-C. GRCh37 (hg19) VCF-style: chr14-21878048-T-C.
Other names: c.1489A>G, p.Lys497Glu (NM_020920.4); short protein forms K497E, K776E.
Identifiers: ClinVar variation 3492081 (VCV003492081.3).